The following is an entry in ClinVar:

NM_000057.4(BLM):c.1892C>G (p.Ala631Gly)

Gene: BLM (BLM RecQ like helicase; plus strand). Cytogenetic location: 15q26.1.
Variant type: single nucleotide variant.
Coding change: c.1892C>G on transcript NM_000057.4 (MANE Select); coding-DNA position 1892, C replaced by G.
Protein change: p.Ala631Gly; replaces alanine 631 with glycine.
Molecular consequence: missense variant.
Genome position (GRCh38, 1-based): chr15:90,762,975, C>G. VCF-style: chr15-90762975-C-G. GRCh37 (hg19) VCF-style: chr15-91306205-C-G.
Other names: c.1892C>G, p.Ala631Gly (NM_001287246.2, NM_001287247.2); c.767C>G, p.Ala256Gly (NM_001287248.2); short protein forms A256G, A631G.
Identifiers: ClinVar variation 4867467 (VCV004867467.1).

ClinVar aggregate classification (germline): Uncertain significance (1 of 4 stars; one submission).

Conditions:
Hereditary cancer-predisposing syndrome. Also called: Neoplastic Syndromes, Hereditary; Tumor predisposition; Hereditary Cancer Syndrome; Hereditary neoplastic syndrome. Identifiers: Orphanet 140162, MedGen C0027672, MeSH D009386, MONDO:0015356.

Submission:

Ambry Genetics
Classification: Uncertain significance for Hereditary cancer-predisposing syndrome. Last evaluated: 2026-03-15. Review status: criteria provided, single submitter. Criteria: Ambry Variant Classification Scheme 2023. Collection method: clinical testing. Allele origin: germline.
Comment: The p.A631G variant (also known as c.1892C>G), located in coding exon 7 of the BLM gene, results from a C to G substitution at nucleotide position 1892. The alanine at codon 631 is replaced by glycine, an amino acid with similar properties. This amino acid position is conserved. In addition, this alteration is predicted to be tolerated by in silico analysis. Based on the available evidence, the clinical significance of this variant remains unclear.